The following is an entry in ClinVar:

NM_006852.6(TLK2):c.1015C>T (p.Arg339Trp)

Gene: TLK2 (tousled like kinase 2; plus strand). Cytogenetic location: 17q23.2.
Variant type: single nucleotide variant.
Coding change: c.1015C>T on transcript NM_006852.6 (MANE Select); coding-DNA position 1015, C replaced by T.
Protein change: p.Arg339Trp; replaces arginine 339 with tryptophan.
Molecular consequence: missense variant.
Genome position (GRCh38, 1-based): chr17:62,573,261, C>T. VCF-style: chr17-62573261-C-T. GRCh37 (hg19) VCF-style: chr17-60650622-C-T.
Other names: c.1015C>T, p.Arg339Trp (NM_001284333.3, NM_001375270.1, NM_001375271.1); c.919C>T, p.Arg307Trp (NM_001284363.1, NM_001375272.1); c.568C>T, p.Arg190Trp (NM_001330418.3, NM_001375273.1); c.1057C>T, p.Arg353Trp (NM_001375269.1); short protein forms R190W, R307W, R339W, R353W.
Identifiers: ClinVar variation 617926 (VCV000617926.33), dbSNP rs1567948262, ClinGen allele CA400501330.

ClinVar aggregate classification (germline): Conflicting classifications of pathogenicity. Review status: criteria provided, conflicting classifications (1 of 4 stars). 7 submissions from 7 submitters: Pathogenic (3); Likely pathogenic (3); Uncertain significance (1). Last evaluated 2025-12-31.

Conditions:
Inborn genetic diseases. Identifiers: MedGen C0950123, MeSH D030342.
Intellectual developmental disorder, autosomal dominant 57. Also called: MENTAL RETARDATION, AUTOSOMAL DOMINANT 57; Intellectual disability, autosomal dominant 57. Identifiers: MedGen C4748003, MONDO:0054837, OMIM 618050.

Submissions (7):

Ambry Genetics
Classification: Pathogenic for Inborn genetic diseases. Last evaluated: 2025-12-31. Review status: criteria provided, single submitter. Criteria: Ambry Variant Classification Scheme 2023. Collection method: clinical testing. Allele origin: germline.
Comment: The c.1015C>T (p.R339W) alteration is located in exon 12 (coding exon 11) of the TLK2 gene. This alteration results from a C to T substitution at nucleotide position 1015, causing the arginine (R) at amino acid position 339 to be replaced by a tryptophan (W). This variant was not reported in population-based cohorts in the Genome Aggregation Database (gnomAD). This variant was reported in individual(s) with features consistent with TLK2-related neurodevelopmental disorder; in at least one individual, it was determined to be de novo (Munnich, 2019; Reijnders, 2018; Li, 2024). Other variant(s) at the same codon, c.1016G>A (p.R339Q), have been identified in individual(s) with features consistent with TLK2-related neurodevelopmental disorder (Reijnders, 2018). This amino acid position is highly conserved in available vertebrate species. The in silico prediction for this alteration is inconclusive. Based on the available evidence, this alteration is classified as pathogenic.

Genomic Medicine Center of Excellence, King Faisal Specialist Hospital and Research Centre
Classification: Likely pathogenic for Intellectual developmental disorder, autosomal dominant 57. Last evaluated: 2024-12-18. Review status: criteria provided, single submitter. Criteria: ACMG Guidelines, 2015. Collection method: clinical testing. Allele origin: germline.

Victorian Clinical Genetics Services, Murdoch Childrens Research Institute
Classification: Pathogenic for Intellectual developmental disorder, autosomal dominant 57. Last evaluated: 2023-07-17. Review status: criteria provided, single submitter. Criteria: ACMG Guidelines, 2015. Collection method: clinical testing. Allele origin: germline. Inheritance: Autosomal dominant inheritance. Affected: yes.
Comment: Based on the classification scheme VCGS_Germline_v1.3.4, this variant is classified as Pathogenic. Following criteria are met: 0102 - Loss of function is a known mechanism of disease in this gene and is associated with intellectual developmental disorder 57 (MIM#618050). (I) 0107 - This gene is associated with autosomal dominant disease. (I) 0200 - Variant is predicted to result in a missense amino acid change from arginine to tryptophan. (I) 0251 - This variant is heterozygous. (I) 0301 - Variant is absent from gnomAD (both v2 and v3). (SP) 0501 - Missense variant consistently predicted to be damaging by multiple in silico tools or highly conserved with a major amino acid change. (SP) 0604 - Variant is not located in an established domain, motif, hotspot or informative constraint region. (I) 0704 - Another missense variant comparable to the one identified in this case has limited previous evidence for pathogenicity. p.(Arg339Gln) has been reported de novo in an individual with a neurodevelopmental disorder (PMID: 29861108). (SP) 0801 - This variant has strong previous evidence of pathogenicity in unrelated individuals. It has been reported as de novo in three individuals with neurodevelopmental disorders (PMID: 29861108, 31406558). (SP) 0905 - No published segregation evidence has been identified for this variant. (I) 1007 - No published functional evidence has been identified for this variant. (SP) Legend: (SP) - Supporting pathogenic, (I) - Information, (SB) - Supporting benign

CeGaT Center for Human Genetics Tuebingen
Classification: Likely pathogenic. Last evaluated: 2023-03-01. Review status: criteria provided, single submitter. Criteria: CeGaT Center For Human Genetics Tuebingen Variant Classification Criteria Version 2. Collection method: clinical testing. Allele origin: germline. Affected: yes. Observed: 1 variant allele.
Comment: TLK2: PM2, PM5, PS4:Moderate, PP2

Laboratoire de Génétique Moléculaire, CHU Bordeaux
Classification: Likely pathogenic for Intellectual developmental disorder, autosomal dominant 57. Last evaluated: 2022-02-15. Review status: criteria provided, single submitter. Criteria: ACMG Guidelines, 2015. Collection method: clinical testing. Allele origin: germline. Affected: yes.

GeneDx
Classification: Pathogenic. Last evaluated: 2021-11-15. Review status: criteria provided, single submitter. Criteria: GeneDx Variant Classification Process June 2021. Collection method: clinical testing. Allele origin: germline. Affected: yes.
Comment: A different missense change at this residue (R339Q) has been reported in the published literature (Reijnders et al., 2018); Not observed at significant frequency in large population cohorts (Lek et al., 2016); In silico analysis supports that this missense variant has a deleterious effect on protein structure/function; This variant is associated with the following publications: (PMID: 29861108, 31406558)

SIB Swiss Institute of Bioinformatics
Classification: Uncertain significance for Intellectual developmental disorder, autosomal dominant 57. Last evaluated: 2018-10-15. Review status: criteria provided, single submitter. Criteria: ACMG Guidelines, 2015. Collection method: curation. Allele origin: germline.
Comment: This variant is interpreted as Uncertain Significance - Insufficient Evidence, for Mental retardation, autosomal dominant 57. The following ACMG Tag(s) were applied: PM2 => Absent from controls (or at extremely low frequency if recessive) in Exome Sequencing Project, 1000 Genomes Project, or Exome Aggregation Consortium. PM6 => Assumed de novo, but without confirmation of paternity and maternity (PubMed 29861108).

Literature cited by the submitters: PubMed 29861108 (cited by 3 submitters); PubMed 31406558 (cited by Ambry Genetics and Victorian Clinical Genetics Services, Murdoch Childrens Research Institute); PubMed 39538191 (cited by Ambry Genetics).